The following is an entry in ClinVar:

ClinVar aggregate classification (germline): Uncertain significance. Review status: criteria provided, multiple submitters, no conflicts (2 of 4 stars). 2 submissions from 2 submitters: Uncertain significance (2). Last evaluated 2025-11-12.

Conditions:
Inborn genetic diseases. Identifiers: MedGen C0950123, MeSH D030342.
Baller-Gerold syndrome (BGS). Also called: CRANIOSYNOSTOSIS WITH RADIAL DEFECTS. Identifiers: Orphanet 1225, MedGen C0265308, MONDO:0009039, OMIM 218600.

Allele frequency attached by ClinVar (database versions not stated): TOPMed below 0.00001.

Submissions (2):

Labcorp Genetics (formerly Invitae), Labcorp
Classification: Uncertain significance for Baller-Gerold syndrome. Last evaluated: 2025-11-12. Review status: criteria provided, single submitter. Criteria: Invitae Variant Classification Sherloc (09022015). Collection method: clinical testing. Allele origin: germline.
Comment: This sequence change replaces leucine, which is neutral and non-polar, with proline, which is neutral and non-polar, at codon 339 of the RECQL4 protein (p.Leu339Pro). This variant is not present in population databases (gnomAD no frequency). This variant has not been reported in the literature in individuals affected with RECQL4-related conditions. ClinVar contains an entry for this variant (Variation ID: 528934). Invitae Evidence Modeling of protein sequence and biophysical properties (such as structural, functional, and spatial information, amino acid conservation, physicochemical variation, residue mobility, and thermodynamic stability) indicates that this missense variant is not expected to disrupt RECQL4 protein function with a negative predictive value of 80%. In summary, the available evidence is currently insufficient to determine the role of this variant in disease. Therefore, it has been classified as a Variant of Uncertain Significance.

Ambry Genetics
Classification: Uncertain significance for Inborn genetic diseases. Last evaluated: 2025-04-11. Review status: criteria provided, single submitter. Criteria: Ambry Variant Classification Scheme 2023. Collection method: clinical testing. Allele origin: germline.
Comment: The p.L339P variant (also known as c.1016T>C), located in coding exon 5 of the RECQL4 gene, results from a T to C substitution at nucleotide position 1016. The leucine at codon 339 is replaced by proline, an amino acid with similar properties. This amino acid position is conserved. In addition, this alteration is predicted to be tolerated by in silico analysis. Based on the available evidence, the clinical significance of this variant remains unclear.

NM_004260.4(RECQL4):c.1016T>C (p.Leu339Pro)

Gene: RECQL4 (RecQ like helicase 4; minus strand). Cytogenetic location: 8q24.3.
Variant type: single nucleotide variant.
Coding change: c.1016T>C on transcript NM_004260.4 (MANE Select); coding-DNA position 1016, T replaced by C.
Protein change: p.Leu339Pro; replaces leucine 339 with proline.
Molecular consequence: missense variant.
Genome position (GRCh38, 1-based): chr8:144,516,103, A>G on the plus strand (T>C on the coding strand, the complement: RECQL4 is on the minus strand). VCF-style: chr8-144516103-A-G. GRCh37 (hg19) VCF-style: chr8-145741487-A-G.
Other names: short protein forms L339P.
Identifiers: ClinVar variation 528934 (VCV000528934.4), dbSNP rs1554902362, ClinGen allele CA372688301.